The following is an entry in ClinVar:

ClinVar aggregate classification (germline): Benign. Review status: criteria provided, multiple submitters, no conflicts (2 of 4 stars). 16 submissions from 14 submitters: Benign (11). 5 of the submissions do not count toward it. Last evaluated 2026-02-04.

Conditions:
Cystinosis. Also called: Cystine diathesis; Cystine storage disease; Cystinoses. Identifiers: Orphanet 213, MedGen C4316899, MONDO:0016239.
Ocular cystinosis. Also called: Non-Nephropathic (Ocular) Cystinosis; Non-Nephropathic Cystinosis. Identifiers: Orphanet 213, Orphanet 411641, MedGen C2931013, MONDO:0009064, OMIM 219750.
Juvenile nephropathic cystinosis. Also called: Later-Onset (Juvenile) Cystinosis; Intermediate Cystinosis; CYSTINOSIS, LATE-ONSET JUVENILE OR ADOLESCENT NEPHROPATHIC TYPE. Identifiers: Orphanet 213, Orphanet 411634, MedGen C0268626, MONDO:0009066, OMIM 219900.
Inborn genetic diseases. Identifiers: MedGen C0950123, MeSH D030342.
Nephropathic cystinosis (CTNS). Also called: Abderhalden Lignac Kaufmann disease; Abderhalden-Kaufmann-Lignac syndrome; CYSTINOSIN, DEFECT OF; LYSOSOMAL CYSTINE TRANSPORT PROTEIN, DEFECT OF. Identifiers: Orphanet 213, Orphanet 411629, MedGen C2931187, MONDO:0100151, OMIM 219800.

Allele frequency attached by ClinVar (database versions not stated): 1000 Genomes Project 30x 0.81293; 1000 Genomes Project 0.81829; ESP Exome Variant Server 0.83492; TOPMed 0.83700; gnomAD 0.84806 and 0.85363; ExAC 0.91828; gnomAD exomes 0.92560 and 0.94741.
gnomAD v4.1: 1,512,034 of 1,612,378 alleles (94%); highest among the groups gnomAD compares: Non-Finnish European, 96%; 714,243 homozygotes.

Submissions (16):

Labcorp Genetics (formerly Invitae), Labcorp
Classification: Benign for Inborn genetic diseases; Ocular cystinosis; Juvenile nephropathic cystinosis. Last evaluated: 2026-02-04. Review status: criteria provided, single submitter. Criteria: Invitae Variant Classification Sherloc (09022015). Collection method: clinical testing. Allele origin: germline.

Blueprint Genetics
Classification: Benign. Last evaluated: 2024-11-28. Review status: criteria provided, single submitter. Criteria: ACMG Guidelines, 2015. Collection method: clinical testing. Allele origin: germline.

Genome-Nilou Lab
Classification: Benign for Nephropathic cystinosis. Last evaluated: 2021-07-10. Review status: criteria provided, single submitter. Criteria: ACMG Guidelines, 2015. Collection method: clinical testing. Allele origin: germline. Affected: no.

Genome-Nilou Lab
Classification: Benign for Ocular cystinosis. Last evaluated: 2021-07-10. Review status: criteria provided, single submitter. Criteria: ACMG Guidelines, 2015. Collection method: clinical testing. Allele origin: germline. Affected: no.

Eurofins Ntd Llc (ga)
Classification: Benign. Last evaluated: 2018-07-02. Review status: criteria provided, single submitter. Criteria: EGL ClinVar v180209 classification definitions. Collection method: clinical testing. Allele origin: germline. Observed: 1 variant allele, 1 heterozygote.

GeneDx
Classification: Benign. Last evaluated: 2018-06-19. Review status: criteria provided, single submitter. Criteria: GeneDx Variant Classification (06012015). Collection method: clinical testing. Allele origin: germline. Affected: yes.
Comment: This variant is considered likely benign or benign based on one or more of the following criteria: it is a conservative change, it occurs at a poorly conserved position in the protein, it is predicted to be benign by multiple in silico algorithms, and/or has population frequency not consistent with disease.

Illumina Laboratory Services, Illumina
Classification: Benign for Nephropathic cystinosis. Last evaluated: 2018-01-13. Review status: criteria provided, single submitter. Criteria: ICSL Variant Classification Criteria 13 December 2019. Collection method: clinical testing. Allele origin: germline.
Comment: This variant was observed in the ICSL laboratory as part of a predisposition screen in an ostensibly healthy population. It had not been previously curated by ICSL or reported in the Human Gene Mutation Database (HGMD: prior to June 1st, 2018), and was therefore a candidate for classification through an automated scoring system. Utilizing variant allele frequency, disease prevalence and penetrance estimates, and inheritance mode, an automated score was calculated to assess if this variant is too frequent to cause the disease. Based on the score and internal cut-off values, a variant classified as benign is not then subjected to further curation. The score for this variant resulted in a classification of benign for this disease.

Illumina Laboratory Services, Illumina
Classification: Benign for Ocular cystinosis. Last evaluated: 2018-01-13. Review status: criteria provided, single submitter. Criteria: ICSL Variant Classification Criteria 13 December 2019. Collection method: clinical testing. Allele origin: germline.
Comment: the same text as in the submission from Illumina Laboratory Services, Illumina above.

Laboratory for Molecular Medicine, Mass General Brigham Personalized Medicine
Classification: Benign. Last evaluated: 2016-03-21. Review status: criteria provided, single submitter. Criteria: LMM Criteria. Collection method: clinical testing. Allele origin: germline. Observed: 1 variant allele.
Comment: p.Thr260Ile in exon 10 of CTNS: This variant is not expected to have clinical si gnificance because it has been identified in 97.23% (6429/6612) of Finnish chrom osomes by the Exome Aggregation Consortium (ExAC ; dbSNP rs161400).

Breakthrough Genomics
Classification: Benign. Review status: criteria provided, single submitter. Criteria: ACMG Guidelines, 2015. Collection method: not provided. Allele origin: germline. Inheritance: Autosomal recessive inheritance. Affected: yes.

PreventionGenetics, part of Exact Sciences
Classification: Benign. Review status: criteria provided, single submitter. Criteria: ACMG Guidelines, 2015. Collection method: clinical testing. Allele origin: germline.

Natera, Inc.
Classification: Benign for Cystinosis. Last evaluated: 2019-08-26. Review status: no assertion criteria provided. Collection method: clinical testing. Allele origin: germline. Not counted in ClinVar's aggregate classification.

Mayo Clinic Laboratories, Mayo Clinic
Classification: Benign. Last evaluated: 2015-10-19. Review status: no assertion criteria provided. Collection method: clinical testing. Allele origin: unknown. Not counted in ClinVar's aggregate classification.

Diagnostic Laboratory, Department of Genetics, University Medical Center Groningen
Classification: Benign. Review status: no assertion criteria provided. Collection method: clinical testing. Allele origin: germline. Affected: yes. Study: VKGL Data-share Consensus. Not counted in ClinVar's aggregate classification.

Genome Diagnostics Laboratory, University Medical Center Utrecht
Classification: Benign. Review status: no assertion criteria provided. Collection method: clinical testing. Allele origin: germline. Affected: yes. Study: VKGL Data-share Consensus. Not counted in ClinVar's aggregate classification.

Joint Genome Diagnostic Labs from Nijmegen and Maastricht, Radboudumc and MUMC+
Classification: Benign. Review status: no assertion criteria provided. Collection method: clinical testing. Allele origin: germline. Affected: yes. Study: VKGL Data-share Consensus. Not counted in ClinVar's aggregate classification.

NM_004937.3(CTNS):c.779C>T (p.Thr260Ile)

Gene: CTNS (cystinosin, lysosomal cystine transporter; plus strand). Cytogenetic location: 17p13.2.
Variant type: single nucleotide variant.
Coding change: c.779C>T on transcript NM_004937.3 (MANE Select); coding-DNA position 779, C replaced by T.
Protein change: p.Thr260Ile; replaces threonine 260 with isoleucine.
Molecular consequence: missense variant.
Genome position (GRCh38, 1-based): chr17:3,658,102, C>T. VCF-style: chr17-3658102-C-T. GRCh37 (hg19) VCF-style: chr17-3561396-C-T.
Other names: c.779C>T, p.Thr260Ile (NM_001031681.3, NM_001374492.1); c.338C>T, p.Thr113Ile (NM_001374493.1, NM_001374494.1, NM_001374495.1 and 1 more transcripts); short protein forms T260I, T113I.
Identifiers: ClinVar variation 257157 (VCV000257157.37), dbSNP rs161400, ClinGen allele CA8291893.